The following is an entry in ClinVar:

ClinVar aggregate classification (germline): Conflicting classifications of pathogenicity. Review status: criteria provided, conflicting classifications (1 of 4 stars). 9 submissions from 9 submitters: Uncertain significance (5); Likely benign (2). 2 of the submissions do not count toward it. Last evaluated 2025-09-19.

Conditions:
Hereditary cancer-predisposing syndrome. Also called: Neoplastic Syndromes, Hereditary; Tumor predisposition; Hereditary Cancer Syndrome; Hereditary neoplastic syndrome. Identifiers: Orphanet 140162, MedGen C0027672, MeSH D009386, MONDO:0015356.
Hereditary breast ovarian cancer syndrome. Also called: Hereditary breast and ovarian cancer syndrome; Hereditary breast and ovarian cancer; Hereditary breast and ovarian cancer syndrome (HBOC); Breast and ovarian cancer; Hereditary breast and/or ovarian cancer syndrome; BRCA1- and BRCA2-Associated Hereditary Breast and Ovarian Cancer. Identifiers: Orphanet 145, MedGen C0677776, MeSH D061325, MONDO:0003582. Disease mechanism: loss of function.
Breast-ovarian cancer, familial, susceptibility to, 2 (BROVCA2). Also called: BRCA2 Hereditary Breast and Ovarian Cancer. Identifiers: Orphanet 145, MedGen C2675520, MONDO:0012933, OMIM 612555. Disease mechanism: loss of function.

Allele frequency attached by ClinVar (database versions not stated): gnomAD exomes below 0.00001; TOPMed below 0.00001.
gnomAD v4.1: 2 of 1,603,670 alleles (0.00012%); highest among the groups gnomAD compares: Non-Finnish European, 0.00017%; no homozygotes.

Submissions (9):

Ambry Genetics
Classification: Likely benign for Hereditary cancer-predisposing syndrome. Last evaluated: 2025-09-19. Review status: criteria provided, single submitter. Criteria: Ambry Variant Classification Scheme 2023. Collection method: clinical testing. Allele origin: germline.

GeneDx
Classification: Uncertain significance. Last evaluated: 2025-06-08. Review status: criteria provided, single submitter. Criteria: GeneDx Variant Classification Process June 2021. Collection method: clinical testing. Allele origin: germline. Affected: yes.
Comment: Not observed at significant frequency in large population cohorts (gnomAD); In silico analysis suggests that this missense variant does not alter protein structure/function; Also known as 4402G>A; This variant is associated with the following publications: (PMID: 18059333, 38709234, 36922933, 31853058)

Quest Diagnostics Nichols Institute San Juan Capistrano
Classification: Uncertain significance. Last evaluated: 2024-12-07. Review status: criteria provided, single submitter. Criteria: Quest Diagnostics criteria. Collection method: clinical testing. Allele origin: unknown.
Comment: The BRCA2 c.4174G>A (p.Val1392Ile) variant has been reported in the published literature in an individual with breast cancer (PMID: 38709234 (2024)). The frequency of this variant in the general population (Genome Aggregation Database) is uninformative in the assessment of its pathogenicity. Analysis of this variant using bioinformatics tools for the prediction of the effect of amino acid changes on protein structure and function yielded predictions that this variant is benign. Based on the available information, we are unable to determine the clinical significance of this variant.

Labcorp Genetics (formerly Invitae), Labcorp
Classification: Uncertain significance for Hereditary breast ovarian cancer syndrome. Last evaluated: 2024-11-06. Review status: criteria provided, single submitter. Criteria: Invitae Variant Classification Sherloc (09022015). Collection method: clinical testing. Allele origin: germline.
Comment: This sequence change replaces valine, which is neutral and non-polar, with isoleucine, which is neutral and non-polar, at codon 1392 of the BRCA2 protein (p.Val1392Ile). This variant is present in population databases (rs80358661, gnomAD 0.0009%). This variant has not been reported in the literature in individuals affected with BRCA2-related conditions. ClinVar contains an entry for this variant (Variation ID: 51611). Invitae Evidence Modeling of protein sequence and biophysical properties (such as structural, functional, and spatial information, amino acid conservation, physicochemical variation, residue mobility, and thermodynamic stability) indicates that this missense variant is not expected to disrupt BRCA2 protein function with a negative predictive value of 95%. In summary, the available evidence is currently insufficient to determine the role of this variant in disease. Therefore, it has been classified as a Variant of Uncertain Significance.

Color Diagnostics, LLC DBA Color Health
Classification: Uncertain significance for Hereditary cancer-predisposing syndrome. Last evaluated: 2024-03-20. Review status: criteria provided, single submitter. Criteria: ACMG Guidelines, 2015. Collection method: clinical testing. Allele origin: germline.
Comment: This missense variant replaces valine with isoleucine at codon 1392 of the BRCA2 protein. Computational prediction suggests that this variant may not impact protein structure and function. To our knowledge, functional studies have not been reported for this variant. This variant has not been reported in individuals affected with BRCA2-related disorders in the literature. This variant has been identified in 1/240568 chromosomes in the general population by the Genome Aggregation Database (gnomAD). The available evidence is insufficient to determine the role of this variant in disease conclusively. Therefore, this variant is classified as a Variant of Uncertain Significance.

University of Washington Department of Laboratory Medicine, University of Washington
Classification: Likely benign for Hereditary cancer-predisposing syndrome. Last evaluated: 2023-03-23. Review status: criteria provided, single submitter. Criteria: Dines et al. (Genet Med. 2020). Collection method: curation. Allele origin: germline.
Comment: Missense variant in a coldspot region where missense variants are very unlikely to be pathogenic (PMID:31911673).

BRCA2 exon 11 coldspot. Reclassification based on statistical prior probability.

Sema4
Classification: Uncertain significance for Hereditary cancer-predisposing syndrome. Last evaluated: 2021-06-30. Review status: criteria provided, single submitter. Criteria: Sema4 Curation Guidelines. Collection method: curation. Allele origin: germline.
Comment: The BRCA2 c.4174G>A (p.V1392I) variant has not been reported in the literature to our knowledge. It was observed in 1/110630 chromosomes of the European (non-Finnish) subpopulation in the large and broad cohorts of the Genome Aggregation Database (PMID: 32461654) and has been reported in ClinVar (Variation ID 51611). In silico tools suggest the impact of the variant on protein function is inconclusive, though these predictions have not been confirmed by functional studies. The evidence is insufficient to meet ACMG/AMP criteria for classifying the variant as benign or pathogenic. Thus, the clinical significance of this variant is currently uncertain.

Counsyl
Classification: Uncertain significance for Breast-ovarian cancer, familial, susceptibility to, 2. Last evaluated: 2016-10-10. Review status: no assertion criteria provided. Collection method: clinical testing. Allele origin: unknown. Not counted in ClinVar's aggregate classification.

Breast Cancer Information Core (BIC) (BRCA2)
Classification: Uncertain significance for Breast-ovarian cancer, familial 2. Last evaluated: 2002-06-20. Review status: no assertion criteria provided. Collection method: clinical testing. Allele origin: germline. Affected: yes. Observed: 1 variant allele. Not counted in ClinVar's aggregate classification.

Literature cited by the submitters: PubMed 38709234 (cited by Quest Diagnostics Nichols Institute San Juan Capistrano); PubMed 31911673 (cited by Quest Diagnostics Nichols Institute San Juan Capistrano); PubMed 36922933 (cited by Quest Diagnostics Nichols Institute San Juan Capistrano); PubMed 31853058 (cited by Quest Diagnostics Nichols Institute San Juan Capistrano).

NM_000059.4(BRCA2):c.4174G>A (p.Val1392Ile)

Gene: BRCA2 (BRCA2 DNA repair associated; plus strand). Cytogenetic location: 13q13.1.
Variant type: single nucleotide variant.
Coding change: c.4174G>A on transcript NM_000059.4 (MANE Select); coding-DNA position 4174, G replaced by A.
Protein change: p.Val1392Ile; replaces valine 1392 with isoleucine.
Molecular consequence: missense variant.
Genome position (GRCh38, 1-based): chr13:32,338,529, G>A. VCF-style: chr13-32338529-G-A. GRCh37 (hg19) VCF-style: chr13-32912666-G-A.
Other names: short protein forms V1392I.
Identifiers: ClinVar variation 51611 (VCV000051611.30), dbSNP rs80358661, ClinGen allele CA019667.